The following is an entry in ClinVar:

NM_001382391.1(CSPP1):c.2435G>A (p.Arg812Lys)

Gene: CSPP1 (centrosome and spindle pole associated protein 1; plus strand). Cytogenetic location: 8q13.2.
Variant type: single nucleotide variant.
Coding change: c.2435G>A on transcript NM_001382391.1 (MANE Select); coding-DNA position 2435, G replaced by A.
Protein change: p.Arg812Lys; replaces arginine 812 with lysine.
Molecular consequence: missense variant.
Genome position (GRCh38, 1-based): chr8:67,159,034, G>A. VCF-style: chr8-67159034-G-A. GRCh37 (hg19) VCF-style: chr8-68071269-G-A.
Other names: c.1385G>A, p.Arg462Lys (NM_001291339.2); c.2354G>A, p.Arg785Lys (NM_001363131.2); c.2240G>A, p.Arg747Lys (NM_001363132.2); c.2159G>A, p.Arg720Lys (NM_001363133.2); c.2501G>A, p.Arg834Lys (NM_001364869.1); c.2321G>A, p.Arg774Lys (NM_001364870.1); c.2420G>A, p.Arg807Lys (NM_024790.7); short protein forms R747K, R812K, R807K, R462K, R774K, R785K, R834K, R720K.
Identifiers: ClinVar variation 1365922 (VCV001365922.8), dbSNP rs1251717089, ClinGen allele CA371189898.

ClinVar aggregate classification (germline): Uncertain significance (1 of 4 stars; one submission).

Conditions:
Joubert syndrome 21 (JBTS21). Identifiers: MedGen C3810212, MONDO:0014288, OMIM 615636.

Allele frequency attached by ClinVar (database versions not stated): gnomAD exomes below 0.00001 and 0.00001.
gnomAD v4.1: 5 of 1,611,612 alleles (0.00031%); highest among the groups gnomAD compares: East Asian, 0.011%; no homozygotes.

Submission:

Labcorp Genetics (formerly Invitae), Labcorp
Classification: Uncertain significance for Joubert syndrome 21. Last evaluated: 2024-02-23. Review status: criteria provided, single submitter. Criteria: Invitae Variant Classification Sherloc (09022015). Collection method: clinical testing. Allele origin: germline.
Comment: This sequence change replaces arginine, which is basic and polar, with lysine, which is basic and polar, at codon 807 of the CSPP1 protein (p.Arg807Lys). The frequency data for this variant in the population databases is considered unreliable, as metrics indicate poor data quality at this position in the gnomAD database. This variant has not been reported in the literature in individuals affected with CSPP1-related conditions. ClinVar contains an entry for this variant (Variation ID: 1365922). An algorithm developed to predict the effect of missense changes on protein structure and function (PolyPhen-2) suggests that this variant is likely to be disruptive. In summary, the available evidence is currently insufficient to determine the role of this variant in disease. Therefore, it has been classified as a Variant of Uncertain Significance.